The following is an entry in ClinVar:

ClinVar aggregate classification (germline): Uncertain significance (1 of 4 stars; one submission).

Allele frequency attached by ClinVar (database versions not stated): gnomAD exomes 0.00001 and 0.00002; ExAC 0.00002; gnomAD 0.00002; TOPMed 0.00002.

Submission:

Labcorp Genetics (formerly Invitae), Labcorp
Classification: Uncertain significance. Last evaluated: 2022-11-08. Review status: criteria provided, single submitter. Criteria: Invitae Variant Classification Sherloc (09022015). Collection method: clinical testing. Allele origin: germline.
Comment: ClinVar contains an entry for this variant (Variation ID: 1405703). In summary, the available evidence is currently insufficient to determine the role of this variant in disease. Therefore, it has been classified as a Variant of Uncertain Significance. Algorithms developed to predict the effect of missense changes on protein structure and function output the following: SIFT: "Tolerated"; PolyPhen-2: "Benign"; Align-GVGD: "Class C0". The threonine amino acid residue is found in multiple mammalian species, which suggests that this missense change does not adversely affect protein function. This variant has not been reported in the literature in individuals affected with LRRC56-related conditions. This variant is present in population databases (rs775663358, gnomAD 0.01%). This sequence change replaces alanine, which is neutral and non-polar, with threonine, which is neutral and polar, at codon 531 of the LRRC56 protein (p.Ala531Thr).

NM_198075.4(LRRC56):c.1591G>A (p.Ala531Thr)

Gene: LRRC56 (leucine rich repeat containing 56; plus strand). Cytogenetic location: 11p15.5.
Variant type: single nucleotide variant.
Coding change: c.1591G>A on transcript NM_198075.4 (MANE Select); coding-DNA position 1591, G replaced by A.
Protein change: p.Ala531Thr; replaces alanine 531 with threonine.
Molecular consequence: missense variant.
Genome position (GRCh38, 1-based): chr11:554,238, G>A. VCF-style: chr11-554238-G-A. GRCh37 (hg19) VCF-style: chr11-554238-G-A.
Other names: short protein forms A531T.
Identifiers: ClinVar variation 1405703 (VCV001405703.6), dbSNP rs775663358, ClinGen allele CA5780144.
Genomic context (GRCh38, chr11:554,238, plus strand): 5'-CGAGCCCAGGGATGTCCTGGCCCAAAGCCAGCACCAGATGCAGCAGCTAGACCTCCCAGG[G>A]CAGCTGAACTCTCTCACCCCAGCCCCGTCCCCACTTAATATAGCCCCCACTGCCAGGCTT-3'
Protein context (NP_932341.1, residues 521-541): APDAAARPPR[Ala531Thr]AELSHPSPVP